The following is an entry in ClinVar:

NM_001365951.3(KIF1B):c.500G>A (p.Arg167His)

Gene: KIF1B (kinesin family member 1B; plus strand). Cytogenetic location: 1p36.22.
Variant type: single nucleotide variant.
Coding change: c.500G>A on transcript NM_001365951.3 (MANE Select); coding-DNA position 500, G replaced by A.
Protein change: p.Arg167His; replaces arginine 167 with histidine.
Molecular consequence: missense variant.
Genome position (GRCh38, 1-based): chr1:10,267,450, G>A. VCF-style: chr1-10267450-G-A. GRCh37 (hg19) VCF-style: chr1-10327508-G-A.
Other names: c.500G>A, p.Arg167His (NM_001365952.1, NM_001365953.1, NM_015074.3 and 1 more transcripts); short protein forms R167H.
Identifiers: ClinVar variation 1056875 (VCV001056875.11), dbSNP rs2102205265, ClinGen allele CA338329332.
Genomic context (GRCh38, chr1:10,267,450, plus strand): 5'-TGGAAATTTACTGTGAAAGAGTACGAGATTTGCTGAATCCAAAAAACAAGGGTAATTTGC[G>A]TGTGCGTGAACACCCACTTCTTGGACCCTATGTGGAGGATCTGTCCAAGTTGGCAGTTAC-3'
Protein context (NP_001352880.1, residues 157-177): LLNPKNKGNL[Arg167His]VREHPLLGPY

ClinVar aggregate classification (germline): Uncertain significance. Review status: criteria provided, multiple submitters, no conflicts (2 of 4 stars). 2 submissions from 2 submitters: Uncertain significance (2). Last evaluated 2024-05-28.

Conditions:
Charcot-Marie-Tooth disease type 2. Also called: Charcot-Marie-Tooth type 2. Identifiers: Orphanet 64746, MedGen C0270914, MONDO:0018993.

Allele frequency attached by ClinVar (database versions not stated): gnomAD exomes 0.00001.
gnomAD v4.1: 10 of 1,614,138 alleles (0.00062%); highest among the groups gnomAD compares: South Asian, 0.0011%; no homozygotes.

Submissions (2):

Ambry Genetics
Classification: Uncertain significance. Last evaluated: 2024-05-28. Review status: criteria provided, single submitter. Criteria: Ambry Variant Classification Scheme 2023. Collection method: clinical testing. Allele origin: germline.
Comment: The p.R167H variant (also known as c.500G>A), located in coding exon 5 of the KIF1B gene, results from a G to A substitution at nucleotide position 500. The arginine at codon 167 is replaced by histidine, an amino acid with highly similar properties. This amino acid position is highly conserved in available vertebrate species. In addition, this alteration is predicted to be deleterious by in silico analysis. Since supporting evidence is limited at this time, the clinical significance of this alteration remains unclear.

Labcorp Genetics (formerly Invitae), Labcorp
Classification: Uncertain significance for Charcot-Marie-Tooth disease type 2. Last evaluated: 2022-08-16. Review status: criteria provided, single submitter. Criteria: Invitae Variant Classification Sherloc (09022015). Collection method: clinical testing. Allele origin: germline.
Comment: In summary, the available evidence is currently insufficient to determine the role of this variant in disease. Therefore, it has been classified as a Variant of Uncertain Significance. Algorithms developed to predict the effect of missense changes on protein structure and function are either unavailable or do not agree on the potential impact of this missense change (SIFT: "Deleterious"; PolyPhen-2: "Probably Damaging"; Align-GVGD: "Class C0"). ClinVar contains an entry for this variant (Variation ID: 1056875). This variant has not been reported in the literature in individuals affected with KIF1B-related conditions. This variant is not present in population databases (gnomAD no frequency). This sequence change replaces arginine, which is basic and polar, with histidine, which is basic and polar, at codon 167 of the KIF1B protein (p.Arg167His).